The following is an entry in ClinVar:

ClinVar aggregate classification (germline): Uncertain significance (1 of 4 stars; one submission).

Conditions:
Pure or complex autosomal recessive spastic paraplegia. Identifiers: Orphanet 320346, MedGen C5679887, MONDO:0017915.

Allele frequency attached by ClinVar (database versions not stated): gnomAD exomes 0.00001 and 0.00002; ExAC 0.00004; TOPMed 0.00009; gnomAD 0.00011 and 0.00012; ESP Exome Variant Server 0.00015; 1000 Genomes Project 0.00020; 1000 Genomes Project 30x 0.00031.
gnomAD v4.1: 26 of 1,613,518 alleles (0.0016%); highest among the groups gnomAD compares: African/African-American, 0.028%; no homozygotes.

Submission:

Labcorp Genetics (formerly Invitae), Labcorp
Classification: Uncertain significance for Pure or complex autosomal recessive spastic paraplegia. Last evaluated: 2022-06-27. Review status: criteria provided, single submitter. Criteria: Invitae Variant Classification Sherloc (09022015). Collection method: clinical testing. Allele origin: germline.
Comment: Algorithms developed to predict the effect of missense changes on protein structure and function are either unavailable or do not agree on the potential impact of this missense change (SIFT: "Tolerated"; PolyPhen-2: "Not Available"; Align-GVGD: "Class C0"). This variant has not been reported in the literature in individuals affected with ZFR-related conditions. This variant is present in population databases (rs369989586, gnomAD 0.05%). This sequence change replaces valine, which is neutral and non-polar, with isoleucine, which is neutral and non-polar, at codon 505 of the ZFR protein (p.Val505Ile). In summary, the available evidence is currently insufficient to determine the role of this variant in disease. Therefore, it has been classified as a Variant of Uncertain Significance.

NM_016107.5(ZFR):c.1513G>A (p.Val505Ile)

Gene: ZFR (zinc finger RNA binding protein; minus strand). Cytogenetic location: 5p13.3.
Variant type: single nucleotide variant.
Coding change: c.1513G>A on transcript NM_016107.5 (MANE Select); coding-DNA position 1513, G replaced by A.
Protein change: p.Val505Ile; replaces valine 505 with isoleucine.
Molecular consequence: missense variant. On other transcripts: non-coding transcript variant (1).
Genome position (GRCh38, 1-based): chr5:32,403,109, C>T on the plus strand (G>A on the coding strand, the complement: ZFR is on the minus strand). VCF-style: chr5-32403109-C-T. GRCh37 (hg19) VCF-style: chr5-32403214-C-T.
Other names: short protein forms V505I.
Identifiers: ClinVar variation 1418892 (VCV001418892.6), dbSNP rs369989586, ClinGen allele CA3221818.